The following is an entry in ClinVar:

ClinVar aggregate classification (germline): Uncertain significance (1 of 4 stars; one submission).

Submission:

GeneDx
Classification: Uncertain significance. Last evaluated: 2020-06-24. Review status: criteria provided, single submitter. Criteria: GeneDx Variant Classification Process June 2021. Collection method: clinical testing. Allele origin: germline. Affected: yes.
Comment: Not observed in large population cohorts (Lek et al., 2016); In silico analysis supports that this missense variant does not alter protein structure/function; Has not been previously published as pathogenic or benign to our knowledge

NM_007126.5(VCP):c.2118G>T (p.Glu706Asp)

Gene: VCP (valosin containing protein; minus strand). Cytogenetic location: 9p13.3.
Variant type: single nucleotide variant.
Coding change: c.2118G>T on transcript NM_007126.5 (MANE Select); coding-DNA position 2118, G replaced by T.
Protein change: p.Glu706Asp; replaces glutamic acid 706 with aspartic acid.
Molecular consequence: missense variant.
Genome position (GRCh38, 1-based): chr9:35,059,106, C>A on the plus strand (G>T on the coding strand, the complement: VCP is on the minus strand). VCF-style: chr9-35059106-C-A. GRCh37 (hg19) VCF-style: chr9-35059103-C-A.
Other names: c.1983G>T, p.Glu661Asp (NM_001354927.2, NM_001354928.2); short protein forms E661D, E706D.
Identifiers: ClinVar variation 1312736 (VCV001312736.2), dbSNP rs2131028733, ClinGen allele CA373273511.